The following is an entry in ClinVar:

ClinVar aggregate classification (germline): Uncertain significance (1 of 4 stars; one submission).

Submission:

GeneDx
Classification: Uncertain significance. Last evaluated: 2021-03-19. Review status: criteria provided, single submitter. Criteria: GeneDx Variant Classification Process June 2021. Collection method: clinical testing. Allele origin: germline. Affected: yes.
Comment: Not observed in large population cohorts (Lek et al., 2016); Initiation codon variant in a gene for which loss-of-function is not a known mechanism of disease; Has not been previously published as pathogenic or benign to our knowledge

NM_181503.3(EXOSC8):c.2T>G (p.Met1Arg)

Gene: EXOSC8 (exosome component 8; plus strand). Cytogenetic location: 13q13.3.
Variant type: single nucleotide variant.
Coding change: c.2T>G on transcript NM_181503.3 (MANE Select); coding-DNA position 2, T replaced by G.
Protein change: p.Met1Arg; changes the start codon (methionine 1).
Molecular consequence: missense variant, initiator codon variant.
Genome position (GRCh38, 1-based): chr13:37,000,807, T>G. VCF-style: chr13-37000807-T-G. GRCh37 (hg19) VCF-style: chr13-37574944-T-G.
Other names: short protein forms M1R.
Identifiers: ClinVar variation 1312897 (VCV001312897.3), dbSNP rs985959854, ClinGen allele CA387867274.